The following is an entry in ClinVar:

NM_016169.4(SUFU):c.1252del (p.Ala418fs)

Gene: SUFU (SUFU negative regulator of hedgehog signaling; plus strand). Cytogenetic location: 10q24.32.
Variant type: Deletion.
Coding change: c.1252del on transcript NM_016169.4 (MANE Select); coding-DNA position 1252, one base deleted (G; older notation c.1252delG).
Protein change: p.Ala418fs; shifts the reading frame from alanine 418.
Molecular consequence: frameshift variant.
Genome position (GRCh38, 1-based): chr10:102,617,384, G deleted. VCF-style (leftmost placement, unchanged base first): chr10-102617383-TG-T. GRCh37 (hg19) VCF-style: chr10-104377140-TG-T.
Other names: c.1252del, p.Ala418fs (NM_001178133.2); short protein forms A418fs.
Identifiers: ClinVar variation 3226861 (VCV003226861.1), dbSNP rs2492790396, ClinGen allele CA2825001677.

ClinVar aggregate classification (germline): Pathogenic (1 of 4 stars; one submission).

Conditions:
Hereditary cancer-predisposing syndrome. Also called: Neoplastic Syndromes, Hereditary; Tumor predisposition; Hereditary neoplastic syndrome; Hereditary Cancer Syndrome. Identifiers: Orphanet 140162, MedGen C0027672, MeSH D009386, MONDO:0015356.

Submission:

Ambry Genetics
Classification: Pathogenic for Hereditary cancer-predisposing syndrome. Last evaluated: 2024-02-20. Review status: criteria provided, single submitter. Criteria: Ambry Variant Classification Scheme 2023. Collection method: clinical testing. Allele origin: germline.
Comment: The c.1252delG pathogenic mutation, located in coding exon 10 of the SUFU gene, results from a deletion of one nucleotide at nucleotide position 1252, causing a translational frameshift with a predicted alternate stop codon (p.A418Pfs*18). This alteration is expected to result in loss of function by premature protein truncation or nonsense-mediated mRNA decay. As such, this alteration is interpreted as a disease-causing mutation.